The following is an entry in ClinVar:

NM_001283009.2(RTEL1):c.2821G>A (p.Glu941Lys)

Genes: RTEL1 (regulator of telomere elongation helicase 1; plus strand), RTEL1-TNFRSF6B (RTEL1-TNFRSF6B readthrough (NMD candidate); plus strand). Cytogenetic location: 20q13.33.
Variant type: single nucleotide variant.
Coding change: c.2821G>A on transcript NM_001283009.2 (MANE Select); coding-DNA position 2821, G replaced by A.
Protein change: p.Glu941Lys; replaces glutamic acid 941 with lysine.
Molecular consequence: missense variant. On other transcripts: non-coding transcript variant (1).
Genome position (GRCh38, 1-based): chr20:63,692,973, G>A. VCF-style: chr20-63692973-G-A. GRCh37 (hg19) VCF-style: chr20-62324326-G-A.
Other names: c.2152G>A, p.Glu718Lys (NM_001283010.1); c.2821G>A, p.Glu941Lys (NM_016434.4); c.2893G>A, p.Glu965Lys (NM_032957.5); short protein forms E941K, E718K, E965K.
Identifiers: ClinVar variation 2083459 (VCV002083459.4), dbSNP rs906116592, ClinGen allele CA317520918.

ClinVar aggregate classification (germline): Uncertain significance. Review status: criteria provided, multiple submitters, no conflicts (2 of 4 stars). 2 submissions from 2 submitters: Uncertain significance (2). Last evaluated 2026-08-01.

Conditions:
Dyskeratosis congenita, autosomal recessive 5 (DKCB5). Identifiers: MedGen C3554656, MONDO:0014076, OMIM 615190.
Pulmonary fibrosis and/or bone marrow failure, Telomere-related, 3. Also called: PULMONARY FIBROSIS AND/OR BONE MARROW FAILURE SYNDROME, TELOMERE-RELATED, 3. Identifiers: Orphanet 2032, MedGen C4225346, MONDO:0014613, OMIM 616373.

Allele frequency attached by ClinVar (database versions not stated): gnomAD exomes below 0.00001; TOPMed below 0.00001; gnomAD 0.00001.
gnomAD v4.1: 8 of 1,612,516 alleles (0.0005%); highest among the groups gnomAD compares: Middle Eastern, 0.033%; no homozygotes.

Submissions (2):

CeGaT Center for Human Genetics Tuebingen
Classification: Uncertain significance. Last evaluated: 2026-08-01. Review status: criteria provided, single submitter. Criteria: CeGaT Center For Human Genetics Tuebingen Variant Classification Criteria Version 2. Collection method: clinical testing. Allele origin: germline. Affected: yes. Observed: 1 variant allele.
Comment: RTEL1: PM2, BP4

Labcorp Genetics (formerly Invitae), Labcorp
Classification: Uncertain significance for Dyskeratosis congenita, autosomal recessive 5; Pulmonary fibrosis and/or bone marrow failure, Telomere-related, 3. Last evaluated: 2024-10-26. Review status: criteria provided, single submitter. Criteria: Invitae Variant Classification Sherloc (09022015). Collection method: clinical testing. Allele origin: germline.
Comment: This sequence change replaces glutamic acid, which is acidic and polar, with lysine, which is basic and polar, at codon 941 of the RTEL1 protein (p.Glu941Lys). The frequency data for this variant in the population databases is considered unreliable, as metrics indicate poor data quality at this position in the gnomAD database. This variant has not been reported in the literature in individuals affected with RTEL1-related conditions. ClinVar contains an entry for this variant (Variation ID: 2083459). An algorithm developed to predict the effect of missense changes on protein structure and function (PolyPhen-2) suggests that this variant is likely to be tolerated. In summary, the available evidence is currently insufficient to determine the role of this variant in disease. Therefore, it has been classified as a Variant of Uncertain Significance.